The following is an entry in ClinVar:

NM_002449.5(MSX2):c.338C>T (p.Ala113Val)

Gene: MSX2 (msh homeobox 2; plus strand). Cytogenetic location: 5q35.2.
Variant type: single nucleotide variant.
Coding change: c.338C>T on transcript NM_002449.5 (MANE Select); coding-DNA position 338, C replaced by T.
Protein change: p.Ala113Val; replaces alanine 113 with valine.
Molecular consequence: missense variant.
Genome position (GRCh38, 1-based): chr5:174,724,997, C>T. VCF-style: chr5-174724997-C-T. GRCh37 (hg19) VCF-style: chr5-174152000-C-T.
Other names: c.338C>T, p.Ala113Val (NM_001363626.2); short protein forms A113V.
Identifiers: ClinVar variation 2726611 (VCV002726611.3), dbSNP rs367897914, ClinGen allele CA3565138.

ClinVar aggregate classification (germline): Uncertain significance (1 of 4 stars; one submission).

Conditions:
Cranium bifidum occultum. Also called: Enlarged Parietal Foramina; CATLIN MARKS; CRANIUM BIFIDUM, HEREDITARY. Identifiers: MedGen C1868598, HP:0004423.

Allele frequency attached by ClinVar (database versions not stated): gnomAD 0.00003; TOPMed 0.00003; ESP Exome Variant Server 0.00008.
gnomAD v4.1: 8 of 1,610,224 alleles (0.0005%); highest among the groups gnomAD compares: Non-Finnish European, 0.00068%; no homozygotes.

Submission:

Labcorp Genetics (formerly Invitae), Labcorp
Classification: Uncertain significance for Cranium bifidum occultum. Last evaluated: 2023-12-07. Review status: criteria provided, single submitter. Criteria: Invitae Variant Classification Sherloc (09022015). Collection method: clinical testing. Allele origin: germline.
Comment: This sequence change replaces alanine, which is neutral and non-polar, with valine, which is neutral and non-polar, at codon 113 of the MSX2 protein (p.Ala113Val). This variant is not present in population databases (gnomAD no frequency). This variant has not been reported in the literature in individuals affected with MSX2-related conditions. Advanced modeling of protein sequence and biophysical properties (such as structural, functional, and spatial information, amino acid conservation, physicochemical variation, residue mobility, and thermodynamic stability) performed at Invitae indicates that this missense variant is not expected to disrupt MSX2 protein function with a negative predictive value of 80%. In summary, the available evidence is currently insufficient to determine the role of this variant in disease. Therefore, it has been classified as a Variant of Uncertain Significance.